The following is an entry in ClinVar:

ClinVar aggregate classification (germline): Uncertain significance. Review status: criteria provided, multiple submitters, no conflicts (2 of 4 stars). 2 submissions from 2 submitters: Uncertain significance (2). Last evaluated 2025-11-20.

Allele frequency attached by ClinVar (database versions not stated): gnomAD exomes 0.00001; ExAC 0.00002; gnomAD 0.00002; TOPMed 0.00002.
gnomAD v4.1: 20 of 1,613,858 alleles (0.0012%); highest among the groups gnomAD compares: Admixed American, 0.0033%; no homozygotes.

Submissions (2):

Ambry Genetics
Classification: Uncertain significance. Last evaluated: 2025-11-20. Review status: criteria provided, single submitter. Criteria: Ambry Variant Classification Scheme 2023. Collection method: clinical testing. Allele origin: germline.

Labcorp Genetics (formerly Invitae), Labcorp
Classification: Uncertain significance. Last evaluated: 2025-09-08. Review status: criteria provided, single submitter. Criteria: Invitae Variant Classification Sherloc (09022015). Collection method: clinical testing. Allele origin: germline.
Comment: This sequence change replaces valine, which is neutral and non-polar, with isoleucine, which is neutral and non-polar, at codon 587 of the IARS protein (p.Val587Ile). This variant is present in population databases (rs761214911, gnomAD 0.01%). This variant has not been reported in the literature in individuals affected with IARS-related conditions. ClinVar contains an entry for this variant (Variation ID: 2181373). An algorithm developed to predict the effect of missense changes on protein structure and function (PolyPhen-2) suggests that this variant is likely to be disruptive. In summary, the available evidence is currently insufficient to determine the role of this variant in disease. Therefore, it has been classified as a Variant of Uncertain Significance.

NM_002161.6(IARS1):c.1759G>A (p.Val587Ile)

Gene: IARS1 (isoleucyl-tRNA synthetase 1; minus strand). Cytogenetic location: 9q22.31.
Variant type: single nucleotide variant.
Coding change: c.1759G>A on transcript NM_002161.6 (MANE Select); coding-DNA position 1759, G replaced by A.
Protein change: p.Val587Ile; replaces valine 587 with isoleucine.
Molecular consequence: missense variant. On other transcripts: non-coding transcript variant (1).
Genome position (GRCh38, 1-based): chr9:92,262,997, C>T on the plus strand (G>A on the coding strand, the complement: IARS1 is on the minus strand). VCF-style: chr9-92262997-C-T. GRCh37 (hg19) VCF-style: chr9-95025279-C-T.
Other names: c.1759G>A (NM_013417.2); c.1759G>A, p.Val587Ile (NM_001374299.1, NM_001374300.1, NM_001374301.1 and 14 more transcripts); c.1822G>A, p.Val608Ile (NM_001378569.1); c.1780G>A, p.Val594Ile (NM_001378571.1); c.1636G>A, p.Val546Ile (NM_001378583.1); short protein forms V594I, V608I, V546I, V587I.
Identifiers: ClinVar variation 2181373 (VCV002181373.7), dbSNP rs761214911, ClinGen allele CA5122525.